The following is an entry in ClinVar:

NM_000548.5(TSC2):c.4428G>C (p.Glu1476Asp)

Gene: TSC2 (TSC complex subunit 2; plus strand). Cytogenetic location: 16p13.3.
Variant type: single nucleotide variant.
Coding change: c.4428G>C on transcript NM_000548.5 (MANE Select); coding-DNA position 4428, G replaced by C.
Protein change: p.Glu1476Asp; replaces glutamic acid 1476 with aspartic acid.
Molecular consequence: missense variant.
Genome position (GRCh38, 1-based): chr16:2,084,650, G>C. VCF-style: chr16-2084650-G-C. GRCh37 (hg19) VCF-style: chr16-2134651-G-C.
Other names: c.4227G>C, p.Glu1409Asp (NM_001077183.3); c.4359G>C, p.Glu1453Asp (NM_001114382.3); c.4119G>C, p.Glu1373Asp (NM_001318827.2); c.4083G>C, p.Glu1361Asp (NM_001318829.2); c.3696G>C, p.Glu1232Asp (NM_001318831.2); c.4260G>C, p.Glu1420Asp (NM_001318832.2); c.4230G>C, p.Glu1410Asp (NM_001363528.2); c.4296G>C, p.Glu1432Asp (NM_001370404.1); and 1 more; short protein forms E1232D, E1432D, E1476D, E1410D, E1361D, E1373D, E1409D, E1433D.
Identifiers: ClinVar variation 1035569 (VCV001035569.12), dbSNP rs765447466, ClinGen allele CA394302216.

ClinVar aggregate classification (germline): Uncertain significance. Review status: criteria provided, multiple submitters, no conflicts (2 of 4 stars). 2 submissions from 2 submitters: Uncertain significance (2). Last evaluated 2025-04-19.

Conditions:
Hereditary cancer-predisposing syndrome. Also called: Neoplastic Syndromes, Hereditary; Hereditary Cancer Syndrome; Tumor predisposition; Hereditary neoplastic syndrome. Identifiers: Orphanet 140162, MedGen C0027672, MeSH D009386, MONDO:0015356.
Tuberous sclerosis 2 (TSC2). Identifiers: Orphanet 805, MedGen C1860707, MONDO:0013199, OMIM 613254.

Submissions (2):

Ambry Genetics
Classification: Uncertain significance for Hereditary cancer-predisposing syndrome. Last evaluated: 2025-04-19. Review status: criteria provided, single submitter. Criteria: Ambry Variant Classification Scheme 2023. Collection method: clinical testing. Allele origin: germline.
Comment: The p.E1476D variant (also known as c.4428G>C), located in coding exon 33 of the TSC2 gene, results from a G to C substitution at nucleotide position 4428. The glutamic acid at codon 1476 is replaced by aspartic acid, an amino acid with highly similar properties. This amino acid position is well conserved in available vertebrate species. In addition, the in silico prediction for this alteration is inconclusive. Since supporting evidence is limited at this time, the clinical significance of this alteration remains unclear.

Labcorp Genetics (formerly Invitae), Labcorp
Classification: Uncertain significance for Tuberous sclerosis 2. Last evaluated: 2024-11-27. Review status: criteria provided, single submitter. Criteria: Invitae Variant Classification Sherloc (09022015). Collection method: clinical testing. Allele origin: germline.
Comment: This sequence change replaces glutamic acid, which is acidic and polar, with aspartic acid, which is acidic and polar, at codon 1476 of the TSC2 protein (p.Glu1476Asp). This variant is not present in population databases (gnomAD no frequency). This variant has not been reported in the literature in individuals affected with TSC2-related conditions. ClinVar contains an entry for this variant (Variation ID: 1035569). Invitae Evidence Modeling of protein sequence and biophysical properties (such as structural, functional, and spatial information, amino acid conservation, physicochemical variation, residue mobility, and thermodynamic stability) indicates that this missense variant is not expected to disrupt TSC2 protein function with a negative predictive value of 95%. In summary, the available evidence is currently insufficient to determine the role of this variant in disease. Therefore, it has been classified as a Variant of Uncertain Significance.